The following is an entry in ClinVar:

NM_000051.4(ATM):c.7429G>A (p.Gly2477Arg)

Genes: C11orf65 (chromosome 11 open reading frame 65; minus strand), ATM (ATM serine/threonine kinase; plus strand). Cytogenetic location: 11q22.3.
Variant type: single nucleotide variant.
Coding change: c.7429G>A on transcript NM_000051.4 (MANE Select); coding-DNA position 7429, G replaced by A.
Protein change: p.Gly2477Arg; replaces glycine 2477 with arginine.
Molecular consequence: missense variant. On other transcripts: intron variant (2).
Genome position (GRCh38, 1-based): chr11:108,330,335, G>A. VCF-style: chr11-108330335-G-A. GRCh37 (hg19) VCF-style: chr11-108201062-G-A.
Other names: c.7429G>A, p.Gly2477Arg (NM_001351834.2); c.641-21264C>T (NM_001330368.2); c.*38+4885C>T (NM_001351110.2); short protein forms G2477R.
Identifiers: ClinVar variation 627892 (VCV000627892.11), dbSNP rs778550056, ClinGen allele CA228418096.

ClinVar aggregate classification (germline): Uncertain significance. Review status: criteria provided, multiple submitters, no conflicts (2 of 4 stars). 4 submissions from 4 submitters: Uncertain significance (4). Last evaluated 2026-07-09.

Conditions:
Hereditary cancer-predisposing syndrome. Also called: Tumor predisposition; Hereditary neoplastic syndrome; Neoplastic Syndromes, Hereditary; Hereditary Cancer Syndrome. Identifiers: Orphanet 140162, MedGen C0027672, MeSH D009386, MONDO:0015356.
Ataxia-telangiectasia syndrome (AT). Also called: Ataxia-telangiectasia, complementation group D; AT, COMPLEMENTATION GROUP C; ATAXIA-TELANGIECTASIA, COMPLEMENTATION GROUP A; ATAXIA-TELANGIECTASIA, FRESNO VARIANT; Ataxia-telangiectasia; LOUIS-BAR SYNDROME. Identifiers: Orphanet 100, MedGen C0004135, MONDO:0008840, OMIM 208900.

Submissions (4):

Catlab - Consorci Sanitari de Terrassa
Classification: Uncertain significance for Hereditary cancer-predisposing syndrome. Last evaluated: 2026-07-09. Review status: criteria provided, single submitter. Criteria: Submitter's publication. Collection method: clinical testing. Allele origin: germline.
Comment: Based on the currently available information, this variant is classified as Uncertain Significance according to ClinGen-ATM v1.5 guidelines. ACMG criteria: PS3_supp, PM2_supp.

Labcorp Genetics (formerly Invitae), Labcorp
Classification: Uncertain significance for Ataxia-telangiectasia syndrome. Last evaluated: 2026-01-14. Review status: criteria provided, single submitter. Criteria: Invitae Variant Classification Sherloc (09022015). Collection method: clinical testing. Allele origin: germline.
Comment: This sequence change replaces glycine, which is neutral and non-polar, with arginine, which is basic and polar, at codon 2477 of the ATM protein (p.Gly2477Arg). This variant is not present in population databases (gnomAD no frequency). This missense change has been observed in individual(s) with colorectal cancer (PMID: 28135145). ClinVar contains an entry for this variant (Variation ID: 627892). Invitae Evidence Modeling of protein sequence and biophysical properties (such as structural, functional, and spatial information, amino acid conservation, physicochemical variation, residue mobility, and thermodynamic stability) has been performed for this missense variant. However, the output from this modeling did not meet the statistical confidence thresholds required to predict the impact of this variant on ATM protein function. In summary, the available evidence is currently insufficient to determine the role of this variant in disease. Therefore, it has been classified as a Variant of Uncertain Significance.

Ambry Genetics
Classification: Uncertain significance for Hereditary cancer-predisposing syndrome. Last evaluated: 2025-03-06. Review status: criteria provided, single submitter. Criteria: Ambry Variant Classification Scheme 2023. Collection method: clinical testing. Allele origin: germline.
Comment: The p.G2477R variant (also known as c.7429G>A), located in coding exon 49 of the ATM gene, results from a G to A substitution at nucleotide position 7429. The glycine at codon 2477 is replaced by arginine, an amino acid with dissimilar properties. This variant was identified amongst 125 unrelated individuals from Kazakhstan with a personal history of early onset colorectal cancer (Zhunussova G et al. Front Oncol, 2019 Aug;9:673). This amino acid position is highly conserved in available vertebrate species. In addition, this alteration is predicted to be deleterious by in silico analysis. Based on the available evidence, the clinical significance of this variant remains unclear.

Color Diagnostics, LLC DBA Color Health
Classification: Uncertain significance for Hereditary cancer-predisposing syndrome. Last evaluated: 2018-12-10. Review status: criteria provided, single submitter. Criteria: ACMG Guidelines, 2015. Collection method: clinical testing. Allele origin: germline.

Literature cited by the submitters: PubMed 28135145 (cited by Labcorp Genetics (formerly Invitae), Labcorp); PubMed 31428572 (cited by Ambry Genetics).